The following is an entry in ClinVar:

NM_018728.4(MYO5C):c.2390+3A>G

Gene: MYO5C (myosin VC; minus strand). Cytogenetic location: 15q21.2.
Variant type: single nucleotide variant.
Coding change: c.2390+3A>G on transcript NM_018728.4 (MANE Select); 3 bases into the intron after coding-DNA position 2390, A replaced by G.
Molecular consequence: intron variant.
Genome position (GRCh38, 1-based): chr15:52,244,353, T>C on the plus strand (A>G on the coding strand, the complement: MYO5C is on the minus strand). VCF-style: chr15-52244353-T-C. GRCh37 (hg19) VCF-style: chr15-52536550-T-C.
Identifiers: ClinVar variation 2645353 (VCV002645353.24), dbSNP rs781503261, ClinGen allele CA7566951.
Genomic context (GRCh38, chr15:52,244,353, plus strand): 5'-CGCCGGAGATGATCAGCACAGAAAGCCCCACAGTTCCACATGTGTTCCTTGATTCCAACA[T>C]ACCTCACAGTTTGCTGACCCCGGAAGTACTGCTGGATTATCAGGGCGGCTCGTCTCTCTC-3'

ClinVar aggregate classification (germline): Uncertain significance (1 of 4 stars; one submission).

Allele frequency attached by ClinVar (database versions not stated): ExAC 0.00002; TOPMed 0.00002; gnomAD 0.00003.
gnomAD v4.1: 12 of 1,611,570 alleles (0.00074%); highest among the groups gnomAD compares: Middle Eastern, 0.038%; no homozygotes.

Submission:

CeGaT Center for Human Genetics Tuebingen
Classification: Uncertain significance. Last evaluated: 2022-07-01. Review status: criteria provided, single submitter. Criteria: CeGaT Center For Human Genetics Tuebingen Variant Classification Criteria Version 2. Collection method: clinical testing. Allele origin: germline. Affected: yes. Observed: 1 variant allele.
Comment: MYO5C: PS2, PM2, BP4